The following is an entry in ClinVar:

NM_001374504.1(TMPRSS6):c.930C>G (p.Tyr310Ter)

Gene: TMPRSS6 (transmembrane serine protease 6; minus strand). Cytogenetic location: 22q12.3.
Variant type: single nucleotide variant.
Coding change: c.930C>G on transcript NM_001374504.1 (MANE Select); coding-DNA position 930, C replaced by G.
Protein change: p.Tyr310Ter; replaces tyrosine 310 with a stop codon.
Molecular consequence: nonsense.
Genome position (GRCh38, 1-based): chr22:37,086,326, G>C on the plus strand (C>G on the coding strand, the complement: TMPRSS6 is on the minus strand). VCF-style: chr22-37086326-G-C. GRCh37 (hg19) VCF-style: chr22-37482366-G-C.
Other names: c.930C>G, p.Tyr310Ter (NM_153609.4, NM_001289000.2, NM_001289001.2); short protein forms Y310*.
Identifiers: ClinVar variation 2791461 (VCV002791461.3), dbSNP rs1199193462, ClinGen allele CA411425594.

ClinVar aggregate classification (germline): Pathogenic (1 of 4 stars; one submission).

Allele frequency attached by ClinVar (database versions not stated): gnomAD exomes below 0.00001; TOPMed below 0.00001.
gnomAD v4.1: 1 of 1,614,126 alleles (0.000062%); highest among the groups gnomAD compares: African/African-American, 0.0013%; no homozygotes.

Submission:

Labcorp Genetics (formerly Invitae), Labcorp
Classification: Pathogenic. Last evaluated: 2025-05-12. Review status: criteria provided, single submitter. Criteria: Invitae Variant Classification Sherloc (09022015). Collection method: clinical testing. Allele origin: germline.
Comment: This sequence change creates a premature translational stop signal (p.Tyr319*) in the TMPRSS6 gene. It is expected to result in an absent or disrupted protein product. Loss-of-function variants in TMPRSS6 are known to be pathogenic (PMID: 20232450, 25156943). This variant is not present in population databases (gnomAD no frequency). This variant has not been reported in the literature in individuals affected with TMPRSS6-related conditions. ClinVar contains an entry for this variant (Variation ID: 2791461). For these reasons, this variant has been classified as Pathogenic.

Literature cited by the submitters: PubMed 20232450; PubMed 25156943.